The following is an entry in ClinVar:

ClinVar aggregate classification (germline): Uncertain significance (1 of 4 stars; one submission).

Allele frequency attached by ClinVar (database versions not stated): gnomAD exomes below 0.00001.

Submission:

Labcorp Genetics (formerly Invitae), Labcorp
Classification: Uncertain significance. Last evaluated: 2021-06-06. Review status: criteria provided, single submitter. Criteria: Invitae Variant Classification Sherloc (09022015). Collection method: clinical testing. Allele origin: germline.
Comment: This sequence change replaces histidine with arginine at codon 682 of the FCHO1 protein (p.His682Arg). The histidine residue is moderately conserved and there is a small physicochemical difference between histidine and arginine. This variant is not present in population databases (ExAC no frequency). This variant has not been reported in the literature in individuals with FCHO1-related conditions. Algorithms developed to predict the effect of missense changes on protein structure and function output the following: SIFT: "Deleterious"; PolyPhen-2: "Benign"; Align-GVGD: "Class C0". The arginine amino acid residue is found in multiple mammalian species, suggesting that this missense change does not adversely affect protein function. These predictions have not been confirmed by published functional studies and their clinical significance is uncertain. In summary, the available evidence is currently insufficient to determine the role of this variant in disease. Therefore, it has been classified as a Variant of Uncertain Significance.

NM_015122.3(FCHO1):c.2045A>G (p.His682Arg)

Gene: FCHO1 (FCH and mu domain containing endocytic adaptor 1; plus strand). Cytogenetic location: 19p13.11.
Variant type: single nucleotide variant.
Coding change: c.2045A>G on transcript NM_015122.3 (MANE Select); coding-DNA position 2045, A replaced by G.
Protein change: p.His682Arg; replaces histidine 682 with arginine.
Molecular consequence: missense variant. On other transcripts: non-coding transcript variant (36).
Genome position (GRCh38, 1-based): chr19:17,783,124, A>G. VCF-style: chr19-17783124-A-G. GRCh37 (hg19) VCF-style: chr19-17893933-A-G.
Other names: c.2045A>G, p.His682Arg (NM_001161357.2, NM_001161358.2, NM_001384370.1 and 13 more transcripts); c.1895A>G, p.His632Arg (NM_001161359.2, NM_001384384.1, NM_001384385.1 and 1 more transcripts); c.1928A>G, p.His643Arg (NM_001384393.1, NM_001384394.1, NM_001384395.1 and 1 more transcripts); c.1769A>G, p.His590Arg (NM_001384396.1, NM_001384397.1, NM_001384398.1 and 5 more transcripts); c.1724A>G, p.His575Arg (NM_001384403.1); c.2006A>G, p.His669Arg (NM_001384405.1, NM_001384388.1, NM_001384389.1); c.1619A>G, p.His540Arg (NM_001384406.1); c.1475A>G, p.His492Arg (NM_001384407.1); and 1 more; short protein forms H575R, H632R, H657R, H590R, H492R, H643R, H682R, H540R.
Identifiers: ClinVar variation 1359641 (VCV001359641.8), dbSNP rs1490294238, ClinGen allele CA404756152.